The following is an entry in ClinVar:

ClinVar aggregate classification (germline): Uncertain significance. Review status: criteria provided, multiple submitters, no conflicts (2 of 4 stars). 2 submissions from 2 submitters: Uncertain significance (2). Last evaluated 2025-10-10.

Conditions:
EFTUD2-related disorder. Also called: EFTUD2-related condition.

gnomAD v4.1: 13 of 1,613,924 alleles (0.00081%); highest among the groups gnomAD compares: Admixed American, 0.0017%; no homozygotes.

Submissions (2):

PreventionGenetics, part of Exact Sciences
Classification: Uncertain significance for EFTUD2-related condition. Last evaluated: 2025-10-10. Review status: criteria provided, single submitter. Criteria: ACMG Guidelines, 2015. Collection method: clinical testing. Allele origin: germline.
Comment: The EFTUD2 c.1384G>A variant is predicted to result in the amino acid substitution p.Gly462Ser. To our knowledge, this variant has not been reported in the literature. This variant is reported in 0.0033% of alleles in individuals of South Asian descent in gnomAD. At this time, the clinical significance of this variant is uncertain due to the absence of conclusive functional and genetic evidence.

Labcorp Genetics (formerly Invitae), Labcorp
Classification: Uncertain significance. Last evaluated: 2024-10-31. Review status: criteria provided, single submitter. Criteria: Invitae Variant Classification Sherloc (09022015). Collection method: clinical testing. Allele origin: germline.
Comment: This sequence change replaces glycine, which is neutral and non-polar, with serine, which is neutral and polar, at codon 462 of the EFTUD2 protein (p.Gly462Ser). This variant is present in population databases (rs372683375, gnomAD 0.003%). This variant has not been reported in the literature in individuals affected with EFTUD2-related conditions. ClinVar contains an entry for this variant (Variation ID: 1980566). Invitae Evidence Modeling of protein sequence and biophysical properties (such as structural, functional, and spatial information, amino acid conservation, physicochemical variation, residue mobility, and thermodynamic stability) indicates that this missense variant is not expected to disrupt EFTUD2 protein function with a negative predictive value of 80%. In summary, the available evidence is currently insufficient to determine the role of this variant in disease. Therefore, it has been classified as a Variant of Uncertain Significance.

NM_004247.4(EFTUD2):c.1384G>A (p.Gly462Ser)

Gene: EFTUD2 (elongation factor Tu GTP binding domain containing 2; minus strand). Cytogenetic location: 17q21.31.
Variant type: single nucleotide variant.
Coding change: c.1384G>A on transcript NM_004247.4 (MANE Select); coding-DNA position 1384, G replaced by A.
Protein change: p.Gly462Ser; replaces glycine 462 with serine.
Molecular consequence: missense variant.
Genome position (GRCh38, 1-based): chr17:44,863,684, C>T on the plus strand (G>A on the coding strand, the complement: EFTUD2 is on the minus strand). VCF-style: chr17-44863684-C-T. GRCh37 (hg19) VCF-style: chr17-42941052-C-T.
Other names: c.1354G>A, p.Gly452Ser (NM_001258354.2); c.1384G>A (NM_004247.3); c.1279G>A, p.Gly427Ser (NM_001142605.2); c.1384G>A, p.Gly462Ser (NM_001258353.2); short protein forms G427S, G452S, G462S.
Identifiers: ClinVar variation 1980566 (VCV001980566.5), dbSNP rs372683375, ClinGen allele CA8607795.